The following is an entry in ClinVar:

ClinVar aggregate classification (germline): Uncertain significance (1 of 4 stars; one submission).

Conditions:
Arginine:glycine amidinotransferase deficiency (CCDS3). Also called: AGAT deficiency; Cerebral creatine deficiency syndrome 3; L-Arginine:Glycine Amidinotransferase Deficiency; Creatine deficiency syndrome due to AGAT deficiency; GATM deficiency; L-Arginine:Glycine Amidinotransferase (AGAT) Deficiency. Identifiers: Orphanet 35704, MedGen C2675179, MONDO:0012996, OMIM 612718.

gnomAD v4.1: 3 of 1,614,180 alleles (0.00019%); highest among the groups gnomAD compares: Non-Finnish European, 0.00025%; no homozygotes.

Submission:

Labcorp Genetics (formerly Invitae), Labcorp
Classification: Uncertain significance for Arginine:glycine amidinotransferase deficiency. Last evaluated: 2020-03-27. Review status: criteria provided, single submitter. Criteria: Invitae Variant Classification Sherloc (09022015). Collection method: clinical testing. Allele origin: germline.
Comment: In summary, the available evidence is currently insufficient to determine the role of this variant in disease. Therefore, it has been classified as a Variant of Uncertain Significance. Algorithms developed to predict the effect of missense changes on protein structure and function are either unavailable or do not agree on the potential impact of this missense change (SIFT: "Deleterious"; PolyPhen-2: "Benign"; Align-GVGD: "Class C0"). This variant has not been reported in the literature in individuals with GATM-related conditions. This variant is not present in population databases (ExAC no frequency). This sequence change replaces threonine with arginine at codon 43 of the GATM protein (p.Thr43Arg). The threonine residue is moderately conserved and there is a moderate physicochemical difference between threonine and arginine.

NM_001482.3(GATM):c.128C>G (p.Thr43Arg)

Gene: GATM (glycine amidinotransferase; minus strand). Cytogenetic location: 15q21.1.
Variant type: single nucleotide variant.
Coding change: c.128C>G on transcript NM_001482.3 (MANE Select); coding-DNA position 128, C replaced by G.
Protein change: p.Thr43Arg; replaces threonine 43 with arginine.
Molecular consequence: missense variant. On other transcripts: 5 prime UTR variant (1).
Genome position (GRCh38, 1-based): chr15:45,376,761, G>C on the plus strand (C>G on the coding strand, the complement: GATM is on the minus strand). VCF-style: chr15-45376761-G-C. GRCh37 (hg19) VCF-style: chr15-45668959-G-C.
Other names: c.-260C>G (NM_001321015.2); short protein forms T43R.
Identifiers: ClinVar variation 1063347 (VCV001063347.9), dbSNP rs868522260, ClinGen allele CA392265665.